The following is an entry in ClinVar:

NM_000388.4(CASR):c.460G>A (p.Ala154Thr)

Gene: CASR (calcium sensing receptor; plus strand). Cytogenetic location: 3q21.1.
Variant type: single nucleotide variant.
Coding change: c.460G>A on transcript NM_000388.4 (MANE Select); coding-DNA position 460, G replaced by A.
Protein change: p.Ala154Thr; replaces alanine 154 with threonine.
Molecular consequence: missense variant.
Genome position (GRCh38, 1-based): chr3:122,257,355, G>A. VCF-style: chr3-122257355-G-A. GRCh37 (hg19) VCF-style: chr3-121976202-G-A.
Other names: c.460G>A, p.Ala154Thr (NM_001178065.2); short protein forms A154T.
Identifiers: ClinVar variation 2937117 (VCV002937117.3), dbSNP rs1559956753, ClinGen allele CA354362937.
Genomic context (GRCh38, chr3:122,257,355, plus strand): 5'-CACATTCCCTCTACGATTGCTGTGGTGGGAGCAACTGGCTCAGGCGTCTCCACGGCAGTG[G>A]CAAATCTGCTGGGGCTCTTCTACATTCCCCAGGTACTCAAGCCTTCTCAGGCGGGGCACT-3'
Protein context (NP_000379.3, residues 144-164): ATGSGVSTAV[Ala154Thr]NLLGLFYIPQ

ClinVar aggregate classification (germline): Uncertain significance (1 of 4 stars; one submission).

Conditions:
Familial hypocalciuric hypercalcemia (FHH). Also called: Familial benign hypercalcemia. Identifiers: Orphanet 405, MedGen C1809471, MONDO:0018458.
Autosomal dominant hypocalcemia 1 (HYPOC1). Also called: HYPOCALCEMIA, FAMILIAL. Identifiers: MedGen C3715128, MONDO:0011013, OMIM 601198.

Submission:

Labcorp Genetics (formerly Invitae), Labcorp
Classification: Uncertain significance for Familial hypocalciuric hypercalcemia; Autosomal dominant hypocalcemia 1. Last evaluated: 2024-10-29. Review status: criteria provided, single submitter. Criteria: Invitae Variant Classification Sherloc (09022015). Collection method: clinical testing. Allele origin: germline.
Comment: This sequence change replaces alanine, which is neutral and non-polar, with threonine, which is neutral and polar, at codon 154 of the CASR protein (p.Ala154Thr). This variant is not present in population databases (gnomAD no frequency). This variant has not been reported in the literature in individuals affected with CASR-related conditions. An algorithm developed to predict the effect of missense changes on protein structure and function (PolyPhen-2) suggests that this variant is likely to be disruptive. In summary, the available evidence is currently insufficient to determine the role of this variant in disease. Therefore, it has been classified as a Variant of Uncertain Significance.